The following is an entry in ClinVar:

ClinVar aggregate classification (germline): Uncertain significance (1 of 4 stars; one submission).

Submission:

Mayo Clinic Laboratories, Mayo Clinic
Classification: Uncertain significance. Last evaluated: 2024-12-02. Review status: criteria provided, single submitter. Criteria: ACMG Guidelines, 2015. Collection method: clinical testing. Allele origin: germline. Observed: 1 variant allele.
Comment: PM2_supporting

NM_019109.5(ALG1):c.1184A>T (p.Lys395Met)

Gene: ALG1 (ALG1 chitobiosyldiphosphodolichol beta-mannosyltransferase; plus strand). Cytogenetic location: 16p13.3.
Variant type: single nucleotide variant.
Coding change: c.1184A>T on transcript NM_019109.5 (MANE Select); coding-DNA position 1184, A replaced by T.
Protein change: p.Lys395Met; replaces lysine 395 with methionine.
Molecular consequence: missense variant.
Genome position (GRCh38, 1-based): chr16:5,082,670, A>T. VCF-style: chr16-5082670-A-T. GRCh37 (hg19) VCF-style: chr16-5132671-A-T.
Other names: p.Lys395Met; c.851A>T, p.Lys284Met (NM_001330504.2); c.1145A>T, p.Lys382Met (NM_001438123.1); short protein forms K284M, K382M, K395M.
Identifiers: ClinVar variation 4542012 (VCV004542012.1).